The following is an entry in ClinVar:

ClinVar aggregate classification (germline): Likely benign (1 of 4 stars; one submission).

Conditions:
EPILEPSY, CHILDHOOD ABSENCE, SUSCEPTIBILITY TO, 2 (ECA2). Identifiers: Orphanet 64280, MedGen C1843244, OMIM 607681.

Allele frequency attached by ClinVar (database versions not stated): 1000 Genomes Project 30x 0.00640; 1000 Genomes Project 0.00679; gnomAD 0.00807 and 0.00873; TOPMed 0.00880.

Submission:

Illumina Laboratory Services, Illumina
Classification: Likely benign for Febrile seizures, familial, 8. Last evaluated: 2018-01-13. Review status: criteria provided, single submitter. Criteria: ICSL Variant Classification Criteria 13 December 2019. Collection method: clinical testing. Allele origin: germline.
Comment: This variant was observed in the ICSL laboratory as part of a predisposition screen in an ostensibly healthy population. It had not been previously curated by ICSL or reported in the Human Gene Mutation Database (HGMD: prior to June 1st, 2018), and was therefore a candidate for classification through an automated scoring system. Utilizing variant allele frequency, disease prevalence and penetrance estimates, and inheritance mode, an automated score was calculated to assess if this variant is too frequent to cause the disease. Based on the score and internal cut-off values, a variant classified as likely benign is not then subjected to further curation. The score for this variant resulted in a classification of likely benign for this disease.

NM_198904.4(GABRG2):c.*794A>G

Gene: GABRG2 (gamma-aminobutyric acid type A receptor subunit gamma2; plus strand). Cytogenetic location: 5q34.
Variant type: single nucleotide variant.
Coding change: c.*794A>G on transcript NM_198904.4 (MANE Select); 794 bases downstream of the stop codon, A replaced by G.
Molecular consequence: 3 prime UTR variant.
Genome position (GRCh38, 1-based): chr5:162,154,162, A>G. VCF-style: chr5-162154162-A-G. GRCh37 (hg19) VCF-style: chr5-161581168-A-G.
Other names: c.*794A>G (NM_000816.3, NM_001375339.1, NM_001375341.1 and 10 more transcripts); c.*1056A>G (NM_001375340.1).
Identifiers: ClinVar variation 352657 (VCV000352657.5), dbSNP rs73316347, ClinGen allele CA10619935.